The following is an entry in ClinVar:

ClinVar aggregate classification (germline): Likely benign (1 of 4 stars; one submission).

gnomAD v4.1: 1 of 1,609,036 alleles (0.000062%); highest among the groups gnomAD compares: Non-Finnish European, 0.000085%; no homozygotes.

Submission:

Molecular Diagnostic Laboratory for Inherited Cardiovascular Disease, Montreal Heart Institute
Classification: Likely benign. Last evaluated: 2026-09-21. Review status: criteria provided, single submitter. Criteria: ACMG Guidelines, 2015. Collection method: clinical testing. Allele origin: germline. Affected: no.
Comment: BP7

NM_020778.5(ALPK3):c.3222T>C (p.Ile1074=)

Gene: ALPK3 (alpha kinase 3; plus strand). Cytogenetic location: 15q25.3.
Variant type: single nucleotide variant.
Coding change: c.3222T>C on transcript NM_020778.5 (MANE Select); coding-DNA position 3222, T replaced by C.
Protein change: p.Ile1074=; no amino-acid change (isoleucine 1074 retained).
Molecular consequence: synonymous variant.
Genome position (GRCh38, 1-based): chr15:84,857,960, T>C. VCF-style: chr15-84857960-T-C. GRCh37 (hg19) VCF-style: chr15-85401191-T-C.
Identifiers: ClinVar variation 5037890 (VCV005037890.1), dbSNP rs111573852.